The following is an entry in ClinVar:

ClinVar aggregate classification (germline): Likely benign (1 of 4 stars; one submission).

Allele frequency attached by ClinVar (database versions not stated): ESP Exome Variant Server 0.00614.

Submission:

CeGaT Center for Human Genetics Tuebingen
Classification: Likely benign. Last evaluated: 2026-03-01. Review status: criteria provided, single submitter. Criteria: CeGaT Center For Human Genetics Tuebingen Variant Classification Criteria Version 2. Collection method: clinical testing. Allele origin: germline. Affected: yes. Observed: 3 variant alleles.
Comment: DSPP: BP4, BP7

NM_014208.3(DSPP):c.2970T>C (p.Asp990=)

Genes: DMP1-AS1 (DMP1 and DSPP antisense RNA 1; minus strand), DSPP (dentin sialophosphoprotein; plus strand). Cytogenetic location: 4q22.1.
Variant type: single nucleotide variant.
Coding change: c.2970T>C on transcript NM_014208.3 (MANE Select); coding-DNA position 2970, T replaced by C.
Protein change: p.Asp990=; no amino-acid change (aspartic acid 990 retained).
Molecular consequence: synonymous variant.
Genome position (GRCh38, 1-based): chr4:87,615,632, T>C. VCF-style: chr4-87615632-T-C. GRCh37 (hg19) VCF-style: chr4-88536784-T-C.
Identifiers: ClinVar variation 2654899 (VCV002654899.24), dbSNP rs375979015, ClinGen allele CA3001349.